The following is an entry in ClinVar:

ClinVar aggregate classification (germline): Uncertain significance (1 of 4 stars; one submission).

Conditions:
Primary ciliary dyskinesia. Also called: Ciliary dyskinesia. Identifiers: Orphanet 244, MedGen C0008780, MONDO:0016575, HP:0012265.

Allele frequency attached by ClinVar (database versions not stated): gnomAD 0.00001; TOPMed 0.00001; gnomAD exomes 0.00003; ESP Exome Variant Server 0.00008.
gnomAD v4.1: 50 of 1,614,064 alleles (0.0031%); highest among the groups gnomAD compares: South Asian, 0.024%; no homozygotes.

Submission:

Ambry Genetics
Classification: Uncertain significance for Primary ciliary dyskinesia. Last evaluated: 2022-08-04. Review status: criteria provided, single submitter. Criteria: Ambry Variant Classification Scheme 2023. Collection method: clinical testing. Allele origin: germline.
Comment: The p.R350W variant (also known as c.1048C>T), located in coding exon 5 of the DNAAF5 gene, results from a C to T substitution at nucleotide position 1048. The arginine at codon 350 is replaced by tryptophan, an amino acid with dissimilar properties. This amino acid position is highly conserved in available vertebrate species. In addition, this alteration is predicted to be deleterious by in silico analysis. Since supporting evidence is limited at this time, the clinical significance of this alteration remains unclear.

NM_017802.4(DNAAF5):c.1048C>T (p.Arg350Trp)

Gene: DNAAF5 (dynein axonemal assembly factor 5; plus strand). Cytogenetic location: 7p22.3.
Variant type: single nucleotide variant.
Coding change: c.1048C>T on transcript NM_017802.4 (MANE Select); coding-DNA position 1048, C replaced by T.
Protein change: p.Arg350Trp; replaces arginine 350 with tryptophan.
Molecular consequence: missense variant. On other transcripts: non-coding transcript variant (1).
Genome position (GRCh38, 1-based): chr7:754,612, C>T. VCF-style: chr7-754612-C-T. GRCh37 (hg19) VCF-style: chr7-794249-C-T.
Other names: short protein forms R350W.
Identifiers: ClinVar variation 1776030 (VCV001776030.2), dbSNP rs377089514, ClinGen allele CA4110580.